The following is an entry in ClinVar:

NM_000429.3(MAT1A):c.1164G>A (p.Glu388=)

Genes: MAT1A (methionine adenosyltransferase 1A; minus strand), LOC126860980 (CDK7 strongly-dependent group 2 enhancer GRCh37_chr10:82032694-82033893; plus strand). Cytogenetic location: 10q22.3.
Variant type: single nucleotide variant.
Coding change: c.1164G>A on transcript NM_000429.3 (MANE Select); coding-DNA position 1164, G replaced by A.
Protein change: p.Glu388=; no amino-acid change (glutamic acid 388 retained).
Molecular consequence: synonymous variant.
Genome position (GRCh38, 1-based): chr10:80,273,805, C>T on the plus strand (G>A on the coding strand, the complement: MAT1A is on the minus strand). VCF-style: chr10-80273805-C-T. GRCh37 (hg19) VCF-style: chr10-82033561-C-T.
Identifiers: ClinVar variation 3388662 (VCV003388662.14).

ClinVar aggregate classification (germline): Likely benign (1 of 4 stars; one submission).

Submission:

CeGaT Center for Human Genetics Tuebingen
Classification: Likely benign. Last evaluated: 2024-10-01. Review status: criteria provided, single submitter. Criteria: CeGaT Center For Human Genetics Tuebingen Variant Classification Criteria Version 2. Collection method: clinical testing. Allele origin: germline. Affected: yes. Observed: 1 variant allele.
Comment: MAT1A: BP4, BP7